The following is an entry in ClinVar:

ClinVar aggregate classification (germline): Likely benign (0 of 4 stars; one submission).

Conditions:
NDUFV3-related disorder. Also called: NDUFV3-related condition.

Allele frequency attached by ClinVar (database versions not stated): TOPMed 0.00004; gnomAD 0.00008; gnomAD exomes 0.00012; 1000 Genomes Project 30x 0.00016; 1000 Genomes Project 0.00020; ExAC 0.00030.
gnomAD v4.1: 217 of 1,612,784 alleles (0.013%); highest among the groups gnomAD compares: South Asian, 0.19%; 2 homozygotes.

Submission:

PreventionGenetics, part of Exact Sciences
Classification: Likely benign for NDUFV3-related condition. Last evaluated: 2019-02-19. Review status: no assertion criteria provided. Collection method: clinical testing. Allele origin: germline.
Comment: This variant is classified as likely benign based on ACMG/AMP sequence variant interpretation guidelines (Richards et al. 2015 PMID: 25741868, with internal and published modifications).

NM_021075.4(NDUFV3):c.1218C>T (p.Ala406=)

Gene: NDUFV3 (NADH:ubiquinone oxidoreductase subunit V3; plus strand). Cytogenetic location: 21q22.3.
Variant type: single nucleotide variant.
Coding change: c.1218C>T on transcript NM_021075.4 (MANE Select); coding-DNA position 1218, C replaced by T.
Protein change: p.Ala406=; no amino-acid change (alanine 406 retained).
Molecular consequence: synonymous variant. On other transcripts: intron variant (1).
Genome position (GRCh38, 1-based): chr21:42,904,230, C>T. VCF-style: chr21-42904230-C-T. GRCh37 (hg19) VCF-style: chr21-44324340-C-T.
Other names: c.170-4634C>T (NM_001001503.2).
Identifiers: ClinVar variation 3045771 (VCV003045771.2), dbSNP rs370806250, ClinGen allele CA10046654.
Genomic context (GRCh38, chr21:42,904,230, plus strand): 5'-GAATAACCACGGTTTCCATGAAAAGACAGCAGCGCTGAAGCTTGAGGCCGAGGGCGAGGC[C>T]ATGGAAGATGCAGCCGCGCCAGGGGACGACCGAGGCGGCACACAGGGTATACCTTGACTC-3'
Protein context (NP_066553.3, residues 396-416): AALKLEAEGE[Ala406=]MEDAAAPGDD